The following is an entry in ClinVar:

ClinVar aggregate classification (germline): Uncertain significance (1 of 4 stars; one submission).

Submission:

Labcorp Genetics (formerly Invitae), Labcorp
Classification: Uncertain significance. Last evaluated: 2024-10-08. Review status: criteria provided, single submitter. Criteria: Invitae Variant Classification Sherloc (09022015). Collection method: clinical testing. Allele origin: germline.
Comment: This sequence change replaces threonine, which is neutral and polar, with methionine, which is neutral and non-polar, at codon 189 of the GSC protein (p.Thr189Met). The frequency data for this variant in the population databases is considered unreliable, as metrics indicate poor data quality at this position in the gnomAD database. This variant has not been reported in the literature in individuals affected with GSC-related conditions. ClinVar contains an entry for this variant (Variation ID: 2096152). An algorithm developed to predict the effect of missense changes on protein structure and function (PolyPhen-2) suggests that this variant is likely to be disruptive. In summary, the available evidence is currently insufficient to determine the role of this variant in disease. Therefore, it has been classified as a Variant of Uncertain Significance.

NM_173849.3(GSC):c.566C>T (p.Thr189Met)

Gene: GSC (goosecoid homeobox; minus strand). Cytogenetic location: 14q32.13.
Variant type: single nucleotide variant.
Coding change: c.566C>T on transcript NM_173849.3 (MANE Select); coding-DNA position 566, C replaced by T.
Protein change: p.Thr189Met; replaces threonine 189 with methionine.
Molecular consequence: missense variant.
Genome position (GRCh38, 1-based): chr14:94,769,007, G>A on the plus strand (C>T on the coding strand, the complement: GSC is on the minus strand). VCF-style: chr14-94769007-G-A. GRCh37 (hg19) VCF-style: chr14-95235344-G-A.
Other names: short protein forms T189M.
Identifiers: ClinVar variation 2096152 (VCV002096152.4), dbSNP rs1217492242, ClinGen allele CA391148194.